The following is an entry in ClinVar:

NM_001278512.2(AP3B2):c.2185G>A (p.Gly729Ser)

Genes: CPEB1-AS1 (CPEB1 antisense RNA 1; plus strand), AP3B2 (adaptor related protein complex 3 subunit beta 2; minus strand). Cytogenetic location: 15q25.2.
Variant type: single nucleotide variant.
Coding change: c.2185G>A on transcript NM_001278512.2 (MANE Select); coding-DNA position 2185, G replaced by A.
Protein change: p.Gly729Ser; replaces glycine 729 with serine.
Molecular consequence: missense variant.
Genome position (GRCh38, 1-based): chr15:82,664,443, C>T on the plus strand (G>A on the coding strand, the complement: AP3B2 is on the minus strand). VCF-style: chr15-82664443-C-T. GRCh37 (hg19) VCF-style: chr15-83333195-C-T.
Other names: c.2032G>A, p.Gly678Ser (NM_001278511.2); c.2128G>A, p.Gly710Ser (NM_004644.5); c.2128G>A (NM_004644.3); short protein forms G678S, G710S, G729S.
Identifiers: ClinVar variation 1449531 (VCV001449531.4), dbSNP rs377674537, ClinGen allele CA7699988.
Genomic context (GRCh38, chr15:82,664,443, plus strand): 5'-CTTTCTCCTCATCCTCATCCTGGTCTTCATTGTCGGACTCACTGCTGGACTCCCCAGAGC[C>T]GCTCTCACTGCTGCTCTTACTGTCCGATTCACTCTCAGACTCAGGGTCTGTGGAGGAACA-3'
Protein context (NP_001265441.1, residues 719-739): ESDSKSSSES[Gly729Ser]SGESSSESDN

ClinVar aggregate classification (germline): Uncertain significance. Review status: criteria provided, multiple submitters, no conflicts (2 of 4 stars). 2 submissions from 2 submitters: Uncertain significance (2). Last evaluated 2024-12-23.

Conditions:
Inborn genetic diseases. Identifiers: MedGen C0950123, MeSH D030342.

Allele frequency attached by ClinVar (database versions not stated): gnomAD exomes 0.00005; ExAC 0.00007; ESP Exome Variant Server 0.00008.
gnomAD v4.1: 76 of 1,613,800 alleles (0.0047%); highest among the groups gnomAD compares: Non-Finnish European, 0.0058%; no homozygotes.

Submissions (2):

Ambry Genetics
Classification: Uncertain significance for Inborn genetic diseases. Last evaluated: 2024-12-23. Review status: criteria provided, single submitter. Criteria: Ambry Variant Classification Scheme 2023. Collection method: clinical testing. Allele origin: germline.

Labcorp Genetics (formerly Invitae), Labcorp
Classification: Uncertain significance. Last evaluated: 2022-09-26. Review status: criteria provided, single submitter. Criteria: Invitae Variant Classification Sherloc (09022015). Collection method: clinical testing. Allele origin: germline.
Comment: This sequence change replaces glycine, which is neutral and non-polar, with serine, which is neutral and polar, at codon 710 of the AP3B2 protein (p.Gly710Ser). This variant is present in population databases (rs377674537, gnomAD 0.008%). This variant has not been reported in the literature in individuals affected with AP3B2-related conditions. ClinVar contains an entry for this variant (Variation ID: 1449531). Algorithms developed to predict the effect of missense changes on protein structure and function output the following: SIFT: "Tolerated"; PolyPhen-2: "Possibly Damaging"; Align-GVGD: "Class C0". The serine amino acid residue is found in multiple mammalian species, which suggests that this missense change does not adversely affect protein function. In summary, the available evidence is currently insufficient to determine the role of this variant in disease. Therefore, it has been classified as a Variant of Uncertain Significance.